The following is an entry in ClinVar:

ClinVar aggregate classification (germline): Uncertain significance (1 of 4 stars; one submission).

Submission:

GeneDx
Classification: Uncertain significance. Last evaluated: 2026-03-18. Review status: criteria provided, single submitter. Criteria: GeneDx Variant Classification Process June 2021. Collection method: clinical testing. Allele origin: germline.
Comment: Not observed at significant frequency in large population cohorts (gnomAD); In silico analysis supports that this missense variant has a deleterious effect on protein structure/function; Has not been previously published as pathogenic or benign to our knowledge

NM_000540.3(RYR1):c.3284C>G (p.Thr1095Ser)

Gene: RYR1 (ryanodine receptor 1; plus strand). Cytogenetic location: 19q13.2.
Variant type: single nucleotide variant.
Coding change: c.3284C>G on transcript NM_000540.3 (MANE Select); coding-DNA position 3284, C replaced by G.
Protein change: p.Thr1095Ser; replaces threonine 1095 with serine.
Molecular consequence: missense variant.
Genome position (GRCh38, 1-based): chr19:38,467,715, C>G. VCF-style: chr19-38467715-C-G. GRCh37 (hg19) VCF-style: chr19-38958355-C-G.
Other names: c.3284C>G, p.Thr1095Ser (NM_001042723.2); short protein forms T1095S.
Identifiers: ClinVar variation 5009401 (VCV005009401.1).